The following is an entry in ClinVar:

NM_002448.3(MSX1):c.661C>T (p.Gln221Ter)

Gene: MSX1 (msh homeobox 1; plus strand). Cytogenetic location: 4p16.2.
Variant type: single nucleotide variant.
Coding change: c.661C>T on transcript NM_002448.3 (MANE Select); coding-DNA position 661, C replaced by T.
Protein change: p.Gln221Ter; replaces glutamine 221 with a stop codon.
Molecular consequence: nonsense.
Genome position (GRCh38, 1-based): chr4:4,862,892, C>T. VCF-style: chr4-4862892-C-T. GRCh37 (hg19) VCF-style: chr4-4864619-C-T.
Other names: short protein forms Q221*.
Identifiers: ClinVar variation 461602 (VCV000461602.8), dbSNP rs1553878162, ClinGen allele CA356138585.

ClinVar aggregate classification (germline): Pathogenic (1 of 4 stars; one submission).

Conditions:
Hypoplastic enamel-onycholysis-hypohidrosis syndrome (TNS). Also called: NAIL DYSPLASIA WITH HYPODONTIA; Tooth-and-Nail Syndrome; ECTODERMAL DYSPLASIA 3, TOOTH/NAIL TYPE; WITKOP SYNDROME; ECTODERMAL DYSPLASIA 3, WITKOP TYPE. Identifiers: Orphanet 2228, MedGen C0406735, MONDO:0008582, OMIM 189500.

Submission:

Labcorp Genetics (formerly Invitae), Labcorp
Classification: Pathogenic for Hypoplastic enamel-onycholysis-hypohidrosis syndrome. Last evaluated: 2016-09-29. Review status: criteria provided, single submitter. Criteria: Invitae Variant Classification Sherloc (09022015). Collection method: clinical testing. Allele origin: germline.
Comment: In summary, this variant is a novel truncating variant that is expected to disrupt an essential region of the MSX1 protein. Therefore, it has been classified as Pathogenic. This variant has not been reported in the literature in individuals with a MSX1-related disease. However, a different truncation downstream of this variant (p.Asn222Lysfs*118) has been determined to be pathogenic (PMID: 23991204). This suggests that deletion of this region of the MSX1 protein is causative of disease. This sequence change results in a premature translational stop signal in the last exon of the MSX1 mRNA at codon 221 (p.Gln221*). While this is not anticipated to result in nonsense mediated decay, it is expected to disrupt the last 83 amino acids of the MSX1 protein.

Literature cited by the submitters: PubMed 23991204.